The following is an entry in ClinVar:

ClinVar aggregate classification (germline): Uncertain significance (1 of 4 stars; one submission).

Conditions:
Brugada syndrome 4 (BRGDA4). Identifiers: Orphanet 130, MedGen C2678477, MONDO:0012743, OMIM 611876.

gnomAD v4.1: 3 of 1,609,020 alleles (0.00019%); highest among the groups gnomAD compares: Non-Finnish European, 0.00026%; no homozygotes.

Submission:

Labcorp Genetics (formerly Invitae), Labcorp
Classification: Uncertain significance for Brugada syndrome 4. Last evaluated: 2025-12-01. Review status: criteria provided, single submitter. Criteria: Invitae Variant Classification Sherloc (09022015). Collection method: clinical testing. Allele origin: germline.
Comment: This sequence change replaces serine, which is neutral and polar, with proline, which is neutral and non-polar, at codon 295 of the CACNB2 protein (p.Ser295Pro). This variant is not present in population databases (gnomAD no frequency). This variant has not been reported in the literature in individuals affected with CACNB2-related conditions. Invitae Evidence Modeling of protein sequence and biophysical properties (such as structural, functional, and spatial information, amino acid conservation, physicochemical variation, residue mobility, and thermodynamic stability) indicates that this missense variant is not expected to disrupt CACNB2 protein function with a negative predictive value of 80%. In summary, the available evidence is currently insufficient to determine the role of this variant in disease. Therefore, it has been classified as a Variant of Uncertain Significance.

NM_201596.3(CACNB2):c.1045T>C (p.Ser349Pro)

Gene: CACNB2 (calcium voltage-gated channel auxiliary subunit beta 2; plus strand). Cytogenetic location: 10p12.31.
Variant type: single nucleotide variant.
Coding change: c.1045T>C on transcript NM_201596.3 (MANE Select); coding-DNA position 1045, T replaced by C.
Protein change: p.Ser349Pro; replaces serine 349 with proline.
Molecular consequence: missense variant.
Genome position (GRCh38, 1-based): chr10:18,527,688, T>C. VCF-style: chr10-18527688-T-C. GRCh37 (hg19) VCF-style: chr10-18816617-T-C.
Other names: c.880T>C, p.Ser294Pro (NM_000724.4); c.847T>C, p.Ser283Pro (NM_001167945.2); c.766T>C, p.Ser256Pro (NM_001330060.2); c.787T>C, p.Ser263Pro (NM_001410882.1); c.901T>C, p.Ser301Pro (NM_201570.3); c.961T>C, p.Ser321Pro (NM_201571.4); c.889T>C, p.Ser297Pro (NM_201572.4); c.883T>C, p.Ser295Pro (NM_201590.3); and 2 more; short protein forms S263P, S283P, S301P, S321P, S295P, S297P, S311P, S349P.
Identifiers: ClinVar variation 4708225 (VCV004708225.1).